The following is an entry in ClinVar:

ClinVar aggregate classification (germline): Uncertain significance (1 of 4 stars; one submission).

gnomAD v4.1: 1 of 1,614,030 alleles (0.000062%); highest among the groups gnomAD compares: Non-Finnish European, 0.000085%; no homozygotes.

Submission:

Dasa
Classification: Uncertain significance. Last evaluated: 2026-01-14. Review status: criteria provided, single submitter. Criteria: DASA Assertion Criteria. Collection method: clinical testing. Allele origin: germline.
Comment: NM_015909.4(NBAS):c.2682A>C (p.Glu894Asp) is a missense variant that results in the substitution of glutamic acid with aspartic acid. This variant is rare in population databases. The currently available literature and clinical evidence are not sufficient to establish a definitive association between this variant and the reported condition. Therefore, this variant is classified as a variant of uncertain significance.

NM_015909.4(NBAS):c.2682A>C (p.Glu894Asp)

Gene: NBAS (NBAS subunit of NRZ tethering complex; minus strand). Cytogenetic location: 2p24.3.
Variant type: single nucleotide variant.
Coding change: c.2682A>C on transcript NM_015909.4 (MANE Select); coding-DNA position 2682, A replaced by C.
Protein change: p.Glu894Asp; replaces glutamic acid 894 with aspartic acid.
Molecular consequence: missense variant. On other transcripts: non-coding transcript variant (1).
Genome position (GRCh38, 1-based): chr2:15,417,608, T>G on the plus strand (A>C on the coding strand, the complement: NBAS is on the minus strand). VCF-style: chr2-15417608-T-G. GRCh37 (hg19) VCF-style: chr2-15557732-T-G.
Other names: short protein forms E894D.
Identifiers: ClinVar variation 4885266 (VCV004885266.2).